The following is an entry in ClinVar:

ClinVar aggregate classification (germline): Uncertain significance (1 of 4 stars; one submission).

Conditions:
Hereditary nonpolyposis colorectal neoplasms. Identifiers: MedGen C0009405, MeSH D003123.

Submission:

Labcorp Genetics (formerly Invitae), Labcorp
Classification: Uncertain significance for Hereditary nonpolyposis colorectal neoplasms. Last evaluated: 2025-06-14. Review status: criteria provided, single submitter. Criteria: Invitae Variant Classification Sherloc (09022015). Collection method: clinical testing. Allele origin: germline.
Comment: This sequence change replaces isoleucine, which is neutral and non-polar, with leucine, which is neutral and non-polar, at codon 251 of the MSH6 protein (p.Ile251Leu). This variant is not present in population databases (gnomAD no frequency). This variant has not been reported in the literature in individuals affected with MSH6-related conditions. ClinVar contains an entry for this variant (Variation ID: 1422451). Invitae Evidence Modeling of protein sequence and biophysical properties (such as structural, functional, and spatial information, amino acid conservation, physicochemical variation, residue mobility, and thermodynamic stability) indicates that this missense variant is not expected to disrupt MSH6 protein function with a negative predictive value of 95%. In summary, the available evidence is currently insufficient to determine the role of this variant in disease. Therefore, it has been classified as a Variant of Uncertain Significance.

NM_000179.3(MSH6):c.751A>C (p.Ile251Leu)

Gene: MSH6 (mutS homolog 6; plus strand). Cytogenetic location: 2p16.3.
Variant type: single nucleotide variant.
Coding change: c.751A>C on transcript NM_000179.3 (MANE Select); coding-DNA position 751, A replaced by C.
Protein change: p.Ile251Leu; replaces isoleucine 251 with leucine.
Molecular consequence: missense variant. On other transcripts: 5 prime UTR variant (2).
Genome position (GRCh38, 1-based): chr2:47,798,734, A>C. VCF-style: chr2-47798734-A-C. GRCh37 (hg19) VCF-style: chr2-48025873-A-C.
Other names: c.361A>C, p.Ile121Leu (NM_001281492.2); c.-156A>C (NM_001281493.2, NM_001281494.2); short protein forms I251L, I121L.
Identifiers: ClinVar variation 1422451 (VCV001422451.8), dbSNP rs554884560, ClinGen allele CA346740125.